The following is an entry in ClinVar:

ClinVar aggregate classification (germline): Conflicting classifications of pathogenicity. Review status: criteria provided, conflicting classifications (1 of 4 stars). 2 submissions from 2 submitters: Likely pathogenic (1); Uncertain significance (1). Last evaluated 2021-01-14.

Conditions:
Combined oxidative phosphorylation defect type 14. Also called: Combined oxidative phosphorylation deficiency 14. Identifiers: Orphanet 319519, MedGen C4755312, MONDO:0013986, OMIM 614946.

Allele frequency attached by ClinVar (database versions not stated): gnomAD exomes below 0.00001; ExAC 0.00001.
gnomAD v4.1: 5 of 1,614,156 alleles (0.00031%); highest among the groups gnomAD compares: Non-Finnish European, 0.00042%; no homozygotes.

Submissions (2):

Labcorp Genetics (formerly Invitae), Labcorp
Classification: Uncertain significance for Combined oxidative phosphorylation defect type 14. Last evaluated: 2021-01-14. Review status: criteria provided, single submitter. Criteria: Invitae Variant Classification Sherloc (09022015). Collection method: clinical testing. Allele origin: germline.
Comment: This sequence change replaces proline with alanine at codon 85 of the FARS2 protein (p.Pro85Ala). The proline residue is highly conserved and there is a small physicochemical difference between proline and alanine. This variant is present in population databases (rs770035560, ExAC 0.002%). In summary, the available evidence is currently insufficient to determine the role of this variant in disease. Therefore, it has been classified as a Variant of Uncertain Significance. This variant has been reported to affect FARS2 protein function (PMID: 27095821). This variant has been observed in combination with another FARS2 variant in an individual affected with juvenile onset refractory epilepsy and progressive myoclonus (PMID: 27095821). ClinVar contains an entry for this variant (Variation ID: 587669).

Wong Mito Lab, Molecular and Human Genetics, Baylor College of Medicine
Classification: Likely pathogenic for Combined oxidative phosphorylation deficiency 14. Last evaluated: 2018-06-13. Review status: criteria provided, single submitter. Criteria: ACMG Guidelines, 2015. Collection method: clinical testing. Allele origin: germline. Affected: yes.

Literature cited by the submitters: PubMed 27095821 (cited by Labcorp Genetics (formerly Invitae), Labcorp and Wong Mito Lab, Molecular and Human Genetics, Baylor College of Medicine).

NM_006567.5(FARS2):c.253C>G (p.Pro85Ala)

Genes: FARS2 (phenylalanyl-tRNA synthetase 2, mitochondrial; plus strand), LOC126859565 (CDK7 strongly-dependent group 2 enhancer GRCh37_chr6:5368745-5369944; plus strand). Cytogenetic location: 6p25.1.
Variant type: single nucleotide variant.
Coding change: c.253C>G on transcript NM_006567.5 (MANE Select); coding-DNA position 253, C replaced by G.
Protein change: p.Pro85Ala; replaces proline 85 with alanine.
Molecular consequence: missense variant. On other transcripts: intron variant (2).
Genome position (GRCh38, 1-based): chr6:5,368,823, C>G. VCF-style: chr6-5368823-C-G. GRCh37 (hg19) VCF-style: chr6-5369056-C-G.
Other names: c.253C>G, p.Pro85Ala (NM_001318872.2, NM_001374875.1, NM_001374876.1 and 5 more transcripts); c.-340-27810C>G (NM_001375260.1); c.-84-35719C>G (NM_001375259.1); short protein forms P85A.
Identifiers: ClinVar variation 587669 (VCV000587669.12), dbSNP rs770035560, ClinGen allele CA3623614.